The following is an entry in ClinVar:

ClinVar aggregate classification (germline): Conflicting classifications of pathogenicity. Review status: criteria provided, conflicting classifications (1 of 4 stars). 2 submissions from 2 submitters: Uncertain significance (1); Likely benign (1). Last evaluated 2025-10-21.

Conditions:
Hereditary cancer-predisposing syndrome. Also called: Tumor predisposition; Neoplastic Syndromes, Hereditary; Hereditary Cancer Syndrome; Hereditary neoplastic syndrome. Identifiers: Orphanet 140162, MedGen C0027672, MeSH D009386, MONDO:0015356.
Medulloblastoma (MDB). Also called: Medulloblastoma, somatic; MEDULLOBLASTOMA PREDISPOSITION SYNDROME. Identifiers: Orphanet 616, MedGen C0025149, MeSH D008527, MONDO:0007959, OMIM 155255, HP:0002885.
Gorlin syndrome. Also called: Nevoid Basal Cell Carcinoma Syndrome; Basal cell nevus syndrome. Identifiers: Orphanet 377, MedGen C0004779, MONDO:0007187.

Allele frequency attached by ClinVar (database versions not stated): TOPMed below 0.00001; gnomAD exomes below 0.00001.
gnomAD v4.1: 1 of 1,611,966 alleles (0.000062%); highest among the groups gnomAD compares: Non-Finnish European, 0.000085%; no homozygotes.

Submissions (2):

Labcorp Genetics (formerly Invitae), Labcorp
Classification: Likely benign for Gorlin syndrome; Medulloblastoma. Last evaluated: 2025-10-21. Review status: criteria provided, single submitter. Criteria: Invitae Variant Classification Sherloc (09022015). Collection method: clinical testing. Allele origin: germline.

Ambry Genetics
Classification: Uncertain significance for Hereditary cancer-predisposing syndrome. Last evaluated: 2025-08-11. Review status: criteria provided, single submitter. Criteria: Ambry Variant Classification Scheme 2023. Collection method: clinical testing. Allele origin: germline.
Comment: The c.910+4G>A intronic variant results from a G to A substitution 4 nucleotides after coding exon 7 in the SUFU gene. This nucleotide position is not well conserved in available vertebrate species. In silico splice site analysis predicts that this alteration will not have any significant effect on splicing. Based on the available evidence, the clinical significance of this variant remains unclear.

NM_016169.4(SUFU):c.910+4G>A

Gene: SUFU (SUFU negative regulator of hedgehog signaling; plus strand). Cytogenetic location: 10q24.32.
Variant type: single nucleotide variant.
Coding change: c.910+4G>A on transcript NM_016169.4 (MANE Select); 4 bases into the intron after coding-DNA position 910, G replaced by A.
Molecular consequence: intron variant.
Genome position (GRCh38, 1-based): chr10:102,597,297, G>A. VCF-style: chr10-102597297-G-A. GRCh37 (hg19) VCF-style: chr10-104357054-G-A.
Other names: c.910+4G>A (NM_001178133.2).
Identifiers: ClinVar variation 406379 (VCV000406379.15), dbSNP rs1060501104, ClinGen allele CA16612983.